The following is an entry in ClinVar:

NM_198512.3(DGAT2L6):c.133T>A (p.Phe45Ile)

Gene: DGAT2L6 (diacylglycerol O-acyltransferase 2 like 6; plus strand). Cytogenetic location: Xq13.1.
Variant type: single nucleotide variant.
Coding change: c.133T>A on transcript NM_198512.3 (MANE Select); coding-DNA position 133, T replaced by A.
Protein change: p.Phe45Ile; replaces phenylalanine 45 with isoleucine.
Molecular consequence: missense variant.
Genome position (GRCh38, 1-based): chrX:70,199,318, T>A. VCF-style: chrX-70199318-T-A. GRCh37 (hg19) VCF-style: chrX-69419168-T-A.
Other names: short protein forms F45I.
Identifiers: ClinVar variation 3048177 (VCV003048177.2), dbSNP rs755215698, ClinGen allele CA10439613.

ClinVar aggregate classification (germline): Likely benign (0 of 4 stars; one submission).

Conditions:
DGAT2L6-related disorder. Also called: DGAT2L6-related condition.

Allele frequency attached by ClinVar (database versions not stated): TOPMed 0.00003; gnomAD exomes 0.00029; ExAC 0.00107; 1000 Genomes Project 30x 0.00146; 1000 Genomes Project 0.00159.
gnomAD v4.1: 335 of 1,193,969 alleles (0.028%); highest among the groups gnomAD compares: South Asian, 0.57%; 1 homozygote.

Submission:

PreventionGenetics, part of Exact Sciences
Classification: Likely benign for DGAT2L6-related condition. Last evaluated: 2022-12-09. Review status: no assertion criteria provided. Collection method: clinical testing. Allele origin: germline.
Comment: This variant is classified as likely benign based on ACMG/AMP sequence variant interpretation guidelines (Richards et al. 2015 PMID: 25741868, with internal and published modifications).